The following is an entry in ClinVar:

ClinVar aggregate classification (germline): Likely pathogenic (1 of 4 stars; one submission).

Conditions:
Autosomal recessive nonsyndromic hearing loss 2. Also called: NEUROSENSORY NONSYNDROMIC RECESSIVE DEAFNESS 2; DEAFNESS, AUTOSOMAL RECESSIVE 2. Identifiers: Orphanet 90636, MedGen C1838701, MONDO:0010807, OMIM 600060.

Submission:

Institute of Rare Diseases, West China Hospital, Sichuan University
Classification: Likely pathogenic for Autosomal recessive nonsyndromic hearing loss 2. Last evaluated: 2025-01-09. Review status: criteria provided, single submitter. Criteria: ClinGen HL ACMG Specifications v1. Collection method: research. Allele origin: germline. Affected: yes.
Comment: PVS1;PM2_Supporting

NM_000260.4(MYO7A):c.982del (p.Leu328fs)

Gene: MYO7A (myosin VIIA; plus strand). Cytogenetic location: 11q13.5.
Variant type: Deletion.
Coding change: c.982del on transcript NM_000260.4 (MANE Select); coding-DNA position 982, one base deleted (C; older notation c.982delC).
Protein change: p.Leu328fs; shifts the reading frame from leucine 328.
Molecular consequence: frameshift variant.
Genome position (GRCh38, 1-based): chr11:77,158,409, C deleted; the last of 2 consecutive C bases (chr11:77,158,408-77,158,409); deleting either gives the same sequence. VCF-style (leftmost placement, unchanged base first): chr11-77158407-AC-A. GRCh37 (hg19) VCF-style: chr11-76869453-AC-A.
Other names: c.982del, p.Leu328fs (NM_001127180.2); c.949del, p.Leu317fs (NM_001369365.1); short protein forms L317fs, L328fs.
Identifiers: ClinVar variation 3601510 (VCV003601510.1).